The following is an entry in ClinVar:

ClinVar aggregate classification (germline): Likely pathogenic (1 of 4 stars; one submission).

Conditions:
Generalized epilepsy with febrile seizures plus, type 9 (GEFSP9). Also called: GEFS+, TYPE 9. Identifiers: Orphanet 36387, MedGen C4015395, MONDO:0014517, OMIM 616172.

Submission:

Labcorp Genetics (formerly Invitae), Labcorp
Classification: Likely pathogenic for Generalized epilepsy with febrile seizures plus, type 9. Last evaluated: 2020-08-27. Review status: criteria provided, single submitter. Criteria: Invitae Variant Classification Sherloc (09022015). Collection method: clinical testing. Allele origin: germline.
Comment: Algorithms developed to predict the effect of sequence changes on RNA splicing suggest that this variant may disrupt the consensus splice site, but this prediction has not been confirmed by published transcriptional studies. This variant has not been reported in the literature in individuals with STX1B-related conditions. This variant is not present in population databases (ExAC no frequency). This sequence change affects an acceptor splice site in intron 5 of the STX1B gene. It is expected to disrupt RNA splicing and likely results in an absent or disrupted protein product. Donor and acceptor splice site variants typically lead to a loss of protein function (PMID: 16199547), and loss-of-function variants in STX1B are known to be pathogenic (PMID: 25362483). In summary, the currently available evidence indicates that the variant is pathogenic, but additional data are needed to prove that conclusively. Therefore, this variant has been classified as Likely Pathogenic.

Literature cited by the submitters: PubMed 16199547; PubMed 25362483.

NM_052874.5(STX1B):c.355-2A>G

Gene: STX1B (syntaxin 1B; minus strand). Cytogenetic location: 16p11.2.
Variant type: single nucleotide variant.
Coding change: c.355-2A>G on transcript NM_052874.5 (MANE Select); the canonical splice acceptor site of the intron before coding-DNA position 355, A replaced by G.
Molecular consequence: splice acceptor variant.
Genome position (GRCh38, 1-based): chr16:30,997,061, T>C on the plus strand (A>G on the coding strand, the complement: STX1B is on the minus strand). VCF-style: chr16-30997061-T-C. GRCh37 (hg19) VCF-style: chr16-31008382-T-C.
Identifiers: ClinVar variation 1066619 (VCV001066619.7), dbSNP rs2143669495, ClinGen allele CA395649405.